The following is an entry in ClinVar:

NM_012388.4(BLOC1S6):c.103G>A (p.Asp35Asn)

Gene: BLOC1S6 (biogenesis of lysosomal organelles complex 1 subunit 6; plus strand). Cytogenetic location: 15q21.1.
Variant type: single nucleotide variant.
Coding change: c.103G>A on transcript NM_012388.4 (MANE Select); coding-DNA position 103, G replaced by A.
Protein change: p.Asp35Asn; replaces aspartic acid 35 with asparagine.
Molecular consequence: missense variant. On other transcripts: non-coding transcript variant (5).
Genome position (GRCh38, 1-based): chr15:45,592,155, G>A. VCF-style: chr15-45592155-G-A. GRCh37 (hg19) VCF-style: chr15-45884353-G-A.
Other names: c.103G>A (NM_012388.2); c.118G>A, p.Asp40Asn (NM_001311255.1, NM_001311256.1); short protein forms D40N, D35N.
Identifiers: ClinVar variation 944792 (VCV000944792.9), dbSNP rs149605903, ClinGen allele CA270014566.

ClinVar aggregate classification (germline): Uncertain significance. Review status: criteria provided, multiple submitters, no conflicts (2 of 4 stars). 2 submissions from 2 submitters: Uncertain significance (2). Last evaluated 2025-10-22.

Conditions:
Inborn genetic diseases. Identifiers: MedGen C0950123, MeSH D030342.
Hermansky-Pudlak syndrome 9 (HPS9). Identifiers: Orphanet 280663, Orphanet 79430, MedGen C3280026, MONDO:0013606, OMIM 614171.

Allele frequency attached by ClinVar (database versions not stated): gnomAD 0.00001; TOPMed 0.00001; gnomAD exomes 0.00003; ESP Exome Variant Server 0.00008.

Submissions (2):

Ambry Genetics
Classification: Uncertain significance for Inborn genetic diseases. Last evaluated: 2025-10-22. Review status: criteria provided, single submitter. Criteria: Ambry Variant Classification Scheme 2023. Collection method: clinical testing. Allele origin: germline.

Labcorp Genetics (formerly Invitae), Labcorp
Classification: Uncertain significance for Hermansky-Pudlak syndrome 9. Last evaluated: 2022-05-06. Review status: criteria provided, single submitter. Criteria: Invitae Variant Classification Sherloc (09022015). Collection method: clinical testing. Allele origin: germline.
Comment: This variant is not present in population databases (gnomAD no frequency). This variant has not been reported in the literature in individuals affected with BLOC1S6-related conditions. ClinVar contains an entry for this variant (Variation ID: 944792). Algorithms developed to predict the effect of missense changes on protein structure and function are either unavailable or do not agree on the potential impact of this missense change (SIFT: "Deleterious"; PolyPhen-2: "Probably Damaging"; Align-GVGD: "Class C0"). In summary, the available evidence is currently insufficient to determine the role of this variant in disease. Therefore, it has been classified as a Variant of Uncertain Significance. This sequence change replaces aspartic acid, which is acidic and polar, with asparagine, which is neutral and polar, at codon 35 of the BLOC1S6 protein (p.Asp35Asn).